The following is an entry in ClinVar:

NM_001370595.2(COA8):c.13C>A (p.Arg5=)

Gene: COA8 (cytochrome c oxidase assembly factor 8; plus strand). Cytogenetic location: 14q32.33.
Variant type: single nucleotide variant.
Coding change: c.13C>A on transcript NM_001370595.2 (MANE Select); coding-DNA position 13, C replaced by A.
Protein change: p.Arg5=; no amino-acid change (arginine 5 retained).
Molecular consequence: synonymous variant. On other transcripts: non-coding transcript variant (2).
Genome position (GRCh38, 1-based): chr14:103,563,014, C>A. VCF-style: chr14-103563014-C-A. GRCh37 (hg19) VCF-style: chr14-104029351-C-A.
Other names: c.13C>A, p.Arg5= (NM_001302653.2, NM_001302654.2); c.52C>A, p.Arg18= (NM_032374.4).
Identifiers: ClinVar variation 3039466 (VCV003039466.2), dbSNP rs764835134, ClinGen allele CA7365380.
Genomic context (GRCh38, chr14:103,563,014, plus strand): 5'-GCCGTCGCAATGCTGCCGTGCGCCGCGGGAGCCAGGGGGCGTGGGGCCATGGTGGTCTTG[C>A]GGGCGGGGAAGAAGACCTTTCTCCCCCCTCTCTGCCGCGCCTTCGCCTGCCGCGGCTGTC-3'
Protein context (NP_001357524.1, residues 1-15): MVVL[Arg5=]AGKKTFLPPL

ClinVar aggregate classification (germline): Likely benign (0 of 4 stars; one submission).

Conditions:
COA8-related disorder. Also called: COA8-related condition.

gnomAD v4.1: 28 of 1,557,032 alleles (0.0018%); highest among the groups gnomAD compares: Non-Finnish European, 0.0022%; no homozygotes.

Submission:

PreventionGenetics, part of Exact Sciences
Classification: Likely benign for COA8-related condition. Last evaluated: 2019-05-20. Review status: no assertion criteria provided. Collection method: clinical testing. Allele origin: germline.
Comment: This variant is classified as likely benign based on ACMG/AMP sequence variant interpretation guidelines (Richards et al. 2015 PMID: 25741868, with internal and published modifications).